The following is an entry in ClinVar:

ClinVar aggregate classification (germline): Uncertain significance (1 of 4 stars; one submission).

Conditions:
Adams-Oliver syndrome 5 (AOS5). Identifiers: Orphanet 974, MedGen C4014970, MONDO:0014459, OMIM 616028.

gnomAD v4.1: 5 of 1,606,796 alleles (0.00031%); highest among the groups gnomAD compares: Non-Finnish European, 0.00025%; no homozygotes.

Submission:

Labcorp Genetics (formerly Invitae), Labcorp
Classification: Uncertain significance for Adams-Oliver syndrome 5. Last evaluated: 2024-02-08. Review status: criteria provided, single submitter. Criteria: Invitae Variant Classification Sherloc (09022015). Collection method: clinical testing. Allele origin: germline.
Comment: This sequence change replaces leucine, which is neutral and non-polar, with arginine, which is basic and polar, at codon 2129 of the NOTCH1 protein (p.Leu2129Arg). This variant is not present in population databases (gnomAD no frequency). This variant has not been reported in the literature in individuals affected with NOTCH1-related conditions. Advanced modeling of protein sequence and biophysical properties (such as structural, functional, and spatial information, amino acid conservation, physicochemical variation, residue mobility, and thermodynamic stability) performed at Invitae indicates that this missense variant is not expected to disrupt NOTCH1 protein function with a negative predictive value of 95%. In summary, the available evidence is currently insufficient to determine the role of this variant in disease. Therefore, it has been classified as a Variant of Uncertain Significance.

NM_017617.5(NOTCH1):c.6386T>G (p.Leu2129Arg)

Gene: NOTCH1 (notch receptor 1; minus strand). Cytogenetic location: 9q34.3.
Variant type: single nucleotide variant.
Coding change: c.6386T>G on transcript NM_017617.5 (MANE Select); coding-DNA position 6386, T replaced by G.
Protein change: p.Leu2129Arg; replaces leucine 2129 with arginine.
Molecular consequence: missense variant.
Genome position (GRCh38, 1-based): chr9:136,497,353, A>C on the plus strand (T>G on the coding strand, the complement: NOTCH1 is on the minus strand). VCF-style: chr9-136497353-A-C. GRCh37 (hg19) VCF-style: chr9-139391805-A-C.
Other names: short protein forms L2129R.
Identifiers: ClinVar variation 3684201 (VCV003684201.2).